The following is an entry in ClinVar:

NM_013372.7(GREM1):c.395G>A (p.Arg132Gln)

Gene: GREM1 (gremlin 1, DAN family BMP antagonist; plus strand). Cytogenetic location: 15q13.3.
Variant type: single nucleotide variant.
Coding change: c.395G>A on transcript NM_013372.7 (MANE Select); coding-DNA position 395, G replaced by A.
Protein change: p.Arg132Gln; replaces arginine 132 with glutamine.
Molecular consequence: missense variant.
Genome position (GRCh38, 1-based): chr15:32,731,085, G>A. VCF-style: chr15-32731085-G-A. GRCh37 (hg19) VCF-style: chr15-33023286-G-A.
Other names: c.185G>A, p.Arg62Gln (NM_001191322.2); c.272G>A, p.Arg91Gln (NM_001191323.2); c.395G>A, p.Arg132Gln (NM_001368719.1); short protein forms R132Q, R62Q, R91Q.
Identifiers: ClinVar variation 2447143 (VCV002447143.3), dbSNP rs2055608831, ClinGen allele CA391557848.

ClinVar aggregate classification (germline): Uncertain significance (1 of 4 stars; one submission).

Conditions:
Hereditary cancer-predisposing syndrome. Also called: Neoplastic Syndromes, Hereditary; Hereditary Cancer Syndrome; Tumor predisposition; Hereditary neoplastic syndrome. Identifiers: Orphanet 140162, MedGen C0027672, MeSH D009386, MONDO:0015356.

Allele frequency attached by ClinVar (database versions not stated): TOPMed below 0.00001.

Submission:

Ambry Genetics
Classification: Uncertain significance for Hereditary cancer-predisposing syndrome. Last evaluated: 2024-12-18. Review status: criteria provided, single submitter. Criteria: Ambry Variant Classification Scheme 2023. Collection method: clinical testing. Allele origin: germline.
Comment: The p.R132Q variant (also known as c.395G>A), located in coding exon 1 of the GREM1 gene, results from a G to A substitution at nucleotide position 395. The arginine at codon 132 is replaced by glutamine, an amino acid with highly similar properties. This amino acid position is conserved. In addition, this alteration is predicted to be tolerated by in silico analysis. Since supporting evidence is limited at this time, the clinical significance of this alteration remains unclear.